The following is an entry in ClinVar:

ClinVar aggregate classification (germline): Uncertain significance. Review status: criteria provided, multiple submitters, no conflicts (2 of 4 stars). 2 submissions from 2 submitters: Uncertain significance (2). Last evaluated 2026-07-29.

Conditions:
Inborn genetic diseases. Identifiers: MedGen C0950123, MeSH D030342.

gnomAD v4.1: 2 of 1,609,858 alleles (0.00012%); highest among the groups gnomAD compares: Non-Finnish European, 0.00017%; no homozygotes.

Submissions (2):

Ambry Genetics
Classification: Uncertain significance for Inborn genetic diseases. Last evaluated: 2026-07-29. Review status: criteria provided, single submitter. Criteria: Ambry Variant Classification Scheme 2023. Collection method: clinical testing. Allele origin: germline.

GeneDx
Classification: Uncertain significance. Last evaluated: 2026-04-15. Review status: criteria provided, single submitter. Criteria: GeneDx Variant Classification Process June 2021. Collection method: clinical testing. Allele origin: germline.
Comment: Not observed at significant frequency in large population cohorts (gnomAD); In silico analysis suggests that this missense variant does not alter protein structure/function; Has not been previously published as pathogenic or benign to our knowledge

NM_001242896.3(DEPDC5):c.3260G>T (p.Arg1087Leu)

Gene: DEPDC5 (DEP domain containing 5, GATOR1 subcomplex subunit; plus strand). Cytogenetic location: 22q12.3.
Variant type: single nucleotide variant.
Coding change: c.3260G>T on transcript NM_001242896.3 (MANE Select); coding-DNA position 3260, G replaced by T.
Protein change: p.Arg1087Leu; replaces arginine 1087 with leucine.
Molecular consequence: missense variant. On other transcripts: non-coding transcript variant (5).
Genome position (GRCh38, 1-based): chr22:31,857,549, G>T. VCF-style: chr22-31857549-G-T. GRCh37 (hg19) VCF-style: chr22-32253535-G-T.
Other names: c.3233G>T, p.Arg1078Leu (NM_001136029.4, NM_001369903.1, NM_014662.6); c.3026G>T, p.Arg1009Leu (NM_001242897.2, NM_001363854.2, NM_001364319.2); c.3260G>T, p.Arg1087Leu (NM_001363852.2, NM_001364318.2, NM_001364320.2); c.3176G>T, p.Arg1059Leu (NM_001369901.1, NM_001369902.1); short protein forms R1009L, R1059L, R1087L, R1078L.
Identifiers: ClinVar variation 5035195 (VCV005035195.1).